The following is an entry in ClinVar:

NM_000138.5(FBN1):c.212G>C (p.Trp71Ser)

Gene: FBN1 (fibrillin 1; minus strand). Cytogenetic location: 15q21.1.
Variant type: single nucleotide variant.
Coding change: c.212G>C on transcript NM_000138.5 (MANE Select); coding-DNA position 212, G replaced by C.
Protein change: p.Trp71Ser; replaces tryptophan 71 with serine.
Molecular consequence: missense variant.
Genome position (GRCh38, 1-based): chr15:48,613,045, C>G on the plus strand (G>C on the coding strand, the complement: FBN1 is on the minus strand). VCF-style: chr15-48613045-C-G. GRCh37 (hg19) VCF-style: chr15-48905242-C-G.
Other names: p.W71S:TGG>TCG; short protein forms W71S.
Identifiers: ClinVar variation 200139 (VCV000200139.2), dbSNP rs794728289, ClinGen allele CA012802.

ClinVar aggregate classification (germline): Pathogenic (1 of 4 stars; one submission).

Submission:

GeneDx
Classification: Pathogenic. Last evaluated: 2014-05-03. Review status: criteria provided, single submitter. Criteria: GeneDx Variant Classification (06012015). Collection method: clinical testing. Allele origin: germline. Affected: yes.
Comment: p.Trp71Ser (TGG>TGC) c.212 G>C (NM_000138.4) The W71S mutation in the FBN1 gene has not been reported as a disease-causing mutation or as a benign polymorphism. However, mutations in this same residue (W71R) and in nearby residues (C68F, C68S, K72R, C80R) have been reported in association with Marfan syndrome, supporting the functional importance of this residue and this region of the protein. Furthermore, W71S was not observed in approximately 6500 individuals of European and African American ancestry in the NHLBI Exome Sequencing Project, indicating it is not a common benign variant in these populations. W71S is a non-conservative amino acid substitution as these residues differ in polarity, charge, size and/or other properties and is more likely to impact secondary structure. This substitution occurs at a position that is conserved across species. In silico analysis predicts this mutation is probably damaging to the protein structure/function. In summary, W71S in the FBN1 gene is interpreted as a likely disease-causing mutation.The variant is found in TAAD panel(s).